The following is an entry in ClinVar:

NM_006767.4(LZTR1):c.50C>T (p.Ala17Val)

Genes: LZTR1 (leucine zipper like post translational regulator 1; plus strand), LOC130067016 (ATAC-STARR-seq lymphoblastoid silent region 13504; plus strand). Cytogenetic location: 22q11.21.
Variant type: single nucleotide variant.
Coding change: c.50C>T on transcript NM_006767.4 (MANE Select); coding-DNA position 50, C replaced by T.
Protein change: p.Ala17Val; replaces alanine 17 with valine.
Molecular consequence: missense variant.
Genome position (GRCh38, 1-based): chr22:20,982,421, C>T. VCF-style: chr22-20982421-C-T. GRCh37 (hg19) VCF-style: chr22-21336710-C-T.
Other names: short protein forms A17V.
Identifiers: ClinVar variation 2447736 (VCV002447736.3), dbSNP rs2518607686, ClinGen allele CA410777538.
Genomic context (GRCh38, chr22:20,982,421, plus strand): 5'-GTGGACCCGGGATGGCTGGACCGGGCAGCACGGGGGGGCAGATCGGGGCTGCGGCCCTGG[C>T]AGGCGGCGCGCGGTCCAAGGTAGCCCCGAGCGTGGACTTCGACCATAGCTGCTCGGACAG-3'
Protein context (NP_006758.2, residues 7-27): TGGQIGAAAL[Ala17Val]GGARSKVAPS

ClinVar aggregate classification (germline): Uncertain significance. Review status: criteria provided, multiple submitters, no conflicts (2 of 4 stars). 2 submissions from 2 submitters: Uncertain significance (2). Last evaluated 2025-10-15.

Conditions:
Cardiovascular phenotype. Identifiers: MedGen CN230736.
Hereditary cancer-predisposing syndrome. Also called: Neoplastic Syndromes, Hereditary; Hereditary Cancer Syndrome; Tumor predisposition; Hereditary neoplastic syndrome. Identifiers: Orphanet 140162, MedGen C0027672, MeSH D009386, MONDO:0015356.

Submissions (2):

Labcorp Genetics (formerly Invitae), Labcorp
Classification: Uncertain significance. Last evaluated: 2025-10-15. Review status: criteria provided, single submitter. Criteria: Invitae Variant Classification Sherloc (09022015). Collection method: clinical testing. Allele origin: germline.
Comment: This sequence change replaces alanine, which is neutral and non-polar, with valine, which is neutral and non-polar, at codon 17 of the LZTR1 protein (p.Ala17Val). This variant is not present in population databases (gnomAD no frequency). This variant has not been reported in the literature in individuals affected with LZTR1-related conditions. ClinVar contains an entry for this variant (Variation ID: 2447736). Invitae Evidence Modeling of protein sequence and biophysical properties (such as structural, functional, and spatial information, amino acid conservation, physicochemical variation, residue mobility, and thermodynamic stability) indicates that this missense variant is not expected to disrupt LZTR1 protein function with a negative predictive value of 95%. In summary, the available evidence is currently insufficient to determine the role of this variant in disease. Therefore, it has been classified as a Variant of Uncertain Significance.

Ambry Genetics
Classification: Uncertain significance for Cardiovascular phenotype; Hereditary cancer-predisposing syndrome. Last evaluated: 2023-01-11. Review status: criteria provided, single submitter. Criteria: Ambry Variant Classification Scheme 2023. Collection method: clinical testing. Allele origin: germline.
Comment: The p.A17V variant (also known as c.50C>T), located in coding exon 1 of the LZTR1 gene, results from a C to T substitution at nucleotide position 50. The alanine at codon 17 is replaced by valine, an amino acid with similar properties. This amino acid position is conserved. In addition, this alteration is predicted to be tolerated by in silico analysis. Since supporting evidence is limited at this time, the clinical significance of this alteration remains unclear.